The following is an entry in ClinVar:

ClinVar aggregate classification (germline): Pathogenic. Review status: criteria provided, multiple submitters, no conflicts (2 of 4 stars). 2 submissions from 2 submitters: Pathogenic (2). Last evaluated 2024-07-04.

Conditions:
Joubert syndrome 20 (JBTS20). Identifiers: Orphanet 475, MedGen C3554235, MONDO:0013994, OMIM 614970.
Meckel syndrome, type 11 (MKS11). Identifiers: Orphanet 564, MedGen C3809352, MONDO:0014164, OMIM 615397.

Allele frequency attached by ClinVar (database versions not stated): gnomAD exomes 0.00003.

Submissions (2):

Labcorp Genetics (formerly Invitae), Labcorp
Classification: Pathogenic for Joubert syndrome 20; Meckel syndrome, type 11. Last evaluated: 2024-07-04. Review status: criteria provided, single submitter. Criteria: Invitae Variant Classification Sherloc (09022015). Collection method: clinical testing. Allele origin: germline.
Comment: This sequence change affects a donor splice site in intron 2 of the TMEM231 gene. It is expected to disrupt RNA splicing. Variants that disrupt the donor or acceptor splice site typically lead to a loss of protein function (PMID: 16199547), and loss-of-function variants in TMEM231 are known to be pathogenic (PMID: 23012439, 23349226). This variant is present in population databases (no rsID available, gnomAD 0.008%). Disruption of this splice site has been observed in individual(s) with clinical features of Joubert syndrome (PMID: 32055034, 32386258). ClinVar contains an entry for this variant (Variation ID: 437010). Algorithms developed to predict the effect of sequence changes on RNA splicing suggest that this variant may disrupt the consensus splice site. For these reasons, this variant has been classified as Pathogenic.

Genetic Services Laboratory, University of Chicago
Classification: Pathogenic for Meckel syndrome 11. Last evaluated: 2016-01-06. Review status: criteria provided, single submitter. Criteria: ACMG Guidelines, 2015. Collection method: clinical testing. Allele origin: germline. Affected: yes.

Literature cited by the submitters: PubMed 16199547 (cited by Labcorp Genetics (formerly Invitae), Labcorp); PubMed 23012439 (cited by Labcorp Genetics (formerly Invitae), Labcorp); PubMed 23349226 (cited by Labcorp Genetics (formerly Invitae), Labcorp); PubMed 32055034 (cited by Labcorp Genetics (formerly Invitae), Labcorp); PubMed 32386258 (cited by Labcorp Genetics (formerly Invitae), Labcorp).

NM_001077418.3(TMEM231):c.438+1G>A

Gene: TMEM231 (transmembrane protein 231; minus strand). Cytogenetic location: 16q23.1.
Variant type: single nucleotide variant.
Coding change: c.438+1G>A on transcript NM_001077418.3 (MANE Select); the canonical splice donor site of the intron after coding-DNA position 438, G replaced by A.
Molecular consequence: splice donor variant.
Genome position (GRCh38, 1-based): chr16:75,545,825, C>T on the plus strand (G>A on the coding strand, the complement: TMEM231 is on the minus strand). VCF-style: chr16-75545825-C-T. GRCh37 (hg19) VCF-style: chr16-75579723-C-T.
Other names: c.597+1G>A (NM_001077416.2).
Identifiers: ClinVar variation 437010 (VCV000437010.11), dbSNP rs1415483600, ClinGen allele CA396806904.